The following is an entry in ClinVar:

ClinVar aggregate classification (germline): Benign/Likely benign. Review status: criteria provided, multiple submitters, no conflicts (2 of 4 stars). 2 submissions from 2 submitters: Benign (1); Likely benign (1). Last evaluated 2022-12-01.

Allele frequency attached by ClinVar (database versions not stated): 1000 Genomes Project 0.00339; 1000 Genomes Project 30x 0.00344; TOPMed 0.00415; gnomAD 0.00500 and 0.00511; ESP Exome Variant Server 0.00508; gnomAD exomes 0.00537; ExAC 0.00577.

Submissions (2):

CeGaT Center for Human Genetics Tuebingen
Classification: Likely benign. Last evaluated: 2022-12-01. Review status: criteria provided, single submitter. Criteria: CeGaT Center For Human Genetics Tuebingen Variant Classification Criteria Version 2. Collection method: clinical testing. Allele origin: germline. Affected: yes. Observed: 1 variant allele.
Comment: SHROOM1: BP4, BS2

Labcorp Genetics (formerly Invitae), Labcorp
Classification: Benign. Last evaluated: 2018-05-31. Review status: criteria provided, single submitter. Criteria: Invitae Variant Classification Sherloc (09022015). Collection method: clinical testing. Allele origin: germline.

NM_001172700.2(SHROOM1):c.1777G>A (p.Ala593Thr)

Gene: SHROOM1 (shroom family member 1; minus strand). Cytogenetic location: 5q31.1.
Variant type: single nucleotide variant.
Coding change: c.1777G>A on transcript NM_001172700.2 (MANE Select); coding-DNA position 1777, G replaced by A.
Protein change: p.Ala593Thr; replaces alanine 593 with threonine.
Molecular consequence: missense variant.
Genome position (GRCh38, 1-based): chr5:132,823,884, C>T on the plus strand (G>A on the coding strand, the complement: SHROOM1 is on the minus strand). VCF-style: chr5-132823884-C-T. GRCh37 (hg19) VCF-style: chr5-132159576-C-T.
Other names: c.1777G>A, p.Ala593Thr (NM_133456.3); short protein forms A593T.
Identifiers: ClinVar variation 771153 (VCV000771153.27), dbSNP rs144919403, ClinGen allele CA3407714.